The following is an entry in ClinVar:

ClinVar aggregate classification (germline): Uncertain significance (1 of 4 stars; one submission).

Allele frequency attached by ClinVar (database versions not stated): ExAC 0.00001; TOPMed 0.00001.
gnomAD v4.1: 17 of 1,613,144 alleles (0.0011%); highest among the groups gnomAD compares: Non-Finnish European, 0.0014%; no homozygotes.

Submission:

Labcorp Genetics (formerly Invitae), Labcorp
Classification: Uncertain significance. Last evaluated: 2022-10-05. Review status: criteria provided, single submitter. Criteria: Invitae Variant Classification Sherloc (09022015). Collection method: clinical testing. Allele origin: germline.
Comment: This sequence change replaces glycine, which is neutral and non-polar, with valine, which is neutral and non-polar, at codon 62 of the GDF5 protein (p.Gly62Val). The frequency data for this variant in the population databases is considered unreliable, as metrics indicate poor data quality at this position in the gnomAD database. This variant has not been reported in the literature in individuals affected with GDF5-related conditions. Algorithms developed to predict the effect of missense changes on protein structure and function are either unavailable or do not agree on the potential impact of this missense change (SIFT: "Tolerated"; PolyPhen-2: "Probably Damaging"; Align-GVGD: "Class C0"). In summary, the available evidence is currently insufficient to determine the role of this variant in disease. Therefore, it has been classified as a Variant of Uncertain Significance.

NM_000557.5(GDF5):c.185G>T (p.Gly62Val)

Gene: GDF5 (growth differentiation factor 5; minus strand). Cytogenetic location: 20q11.22.
Variant type: single nucleotide variant.
Coding change: c.185G>T on transcript NM_000557.5 (MANE Select); coding-DNA position 185, G replaced by T.
Protein change: p.Gly62Val; replaces glycine 62 with valine.
Molecular consequence: missense variant.
Genome position (GRCh38, 1-based): chr20:35,437,744, C>A on the plus strand (G>T on the coding strand, the complement: GDF5 is on the minus strand). VCF-style: chr20-35437744-C-A. GRCh37 (hg19) VCF-style: chr20-34025524-C-A.
Other names: c.185G>T, p.Gly62Val (NM_001319138.2); short protein forms G62V.
Identifiers: ClinVar variation 2073697 (VCV002073697.1), dbSNP rs752211507, ClinGen allele CA9832407.